The following is an entry in ClinVar:

ClinVar aggregate classification (germline): Pathogenic (1 of 4 stars; one submission).

Conditions:
DICER1-related tumor predisposition. Also called: DICER1 syndrome; DICER1-related pleuropulmonary blastoma cancer predisposition syndrome. Identifiers: Orphanet 284343, MedGen C3839822, MONDO:0100216.

Submission:

Labcorp Genetics (formerly Invitae), Labcorp
Classification: Pathogenic for DICER1-related tumor predisposition. Last evaluated: 2022-04-27. Review status: criteria provided, single submitter. Criteria: Invitae Variant Classification Sherloc (09022015). Collection method: clinical testing. Allele origin: germline.
Comment: For these reasons, this variant has been classified as Pathogenic. This variant has not been reported in the literature in individuals affected with DICER1-related conditions. This variant is not present in population databases (gnomAD no frequency). This sequence change creates a premature translational stop signal (p.Asp1190Valfs*2) in the DICER1 gene. It is expected to result in an absent or disrupted protein product. Loss-of-function variants in DICER1 are known to be pathogenic (PMID: 19556464, 21266384).

Literature cited by the submitters: PubMed 19556464; PubMed 21266384.

NM_177438.3(DICER1):c.3569del (p.Asp1190fs)

Gene: DICER1 (dicer 1, ribonuclease III; minus strand). Cytogenetic location: 14q32.13.
Variant type: Deletion.
Coding change: c.3569del on transcript NM_177438.3 (MANE Select); coding-DNA position 3569, one base deleted (A; older notation c.3569delA).
Protein change: p.Asp1190fs; shifts the reading frame from aspartic acid 1190.
Molecular consequence: frameshift variant. On other transcripts: non-coding transcript variant (6).
Genome position (GRCh38, 1-based): chr14:95,103,827, T deleted on the plus strand (A on the coding strand, the reverse complement: DICER1 is on the minus strand). VCF-style (leftmost placement, unchanged base first): chr14-95103826-AT-A. GRCh37 (hg19) VCF-style: chr14-95570163-AT-A.
Other names: c.3569del, p.Asp1190fs (NM_001395694.1, NM_001395695.1, NM_030621.4 and 12 more transcripts); c.3164del, p.Asp1055fs (NM_001395696.1, NM_001395687.1, NM_001395688.1 and 2 more transcripts); c.1886del, p.Asp629fs (NM_001395697.1); c.3569delA, p.Asp1190Valfs (NM_001395681.1); c.3287del, p.Asp1096fs (NM_001395686.1); c.3002del, p.Asp1001fs (NM_001395691.1); short protein forms D1190fs, D629fs, D1001fs, D1096fs, D1055fs.
Identifiers: ClinVar variation 2122970 (VCV002122970.4), dbSNP rs2542708086, ClinGen allele CA2580088974.